The following is an entry in ClinVar:

ClinVar aggregate classification (germline): Uncertain significance (1 of 4 stars; one submission).

Submission:

Labcorp Genetics (formerly Invitae), Labcorp
Classification: Uncertain significance. Last evaluated: 2025-11-24. Review status: criteria provided, single submitter. Criteria: Invitae Variant Classification Sherloc (09022015). Collection method: clinical testing. Allele origin: germline.
Comment: This sequence change replaces valine, which is neutral and non-polar, with glycine, which is neutral and non-polar, at codon 104 of the MSH3 protein (p.Val104Gly). This variant is not present in population databases (gnomAD no frequency). This variant has not been reported in the literature in individuals affected with MSH3-related conditions. An algorithm developed to predict the effect of missense changes on protein structure and function (PolyPhen-2) suggests that this variant is likely to be tolerated. In summary, the available evidence is currently insufficient to determine the role of this variant in disease. Therefore, it has been classified as a Variant of Uncertain Significance.

NM_002439.5(MSH3):c.311T>G (p.Val104Gly)

Gene: MSH3 (mutS homolog 3; plus strand). Cytogenetic location: 5q14.1.
Variant type: single nucleotide variant.
Coding change: c.311T>G on transcript NM_002439.5 (MANE Select); coding-DNA position 311, T replaced by G.
Protein change: p.Val104Gly; replaces valine 104 with glycine.
Molecular consequence: missense variant.
Genome position (GRCh38, 1-based): chr5:80,656,484, T>G. VCF-style: chr5-80656484-T-G. GRCh37 (hg19) VCF-style: chr5-79952303-T-G.
Other names: short protein forms V104G.
Identifiers: ClinVar variation 4731909 (VCV004731909.1).